The following is an entry in ClinVar:

ClinVar aggregate classification (germline): Conflicting classifications of pathogenicity. Review status: criteria provided, conflicting classifications (1 of 4 stars). 5 submissions from 5 submitters: Likely pathogenic (4); Uncertain significance (1). Last evaluated 2025-05-16.

Conditions:
Dystonia 12 (DYT12). Also called: DYT-ATP1A3; Rapid-Onset Dystonia-Parkinsonism (RDP). Identifiers: Orphanet 71517, MedGen C1868681, MONDO:0007496, OMIM 128235.
Alternating hemiplegia of childhood 2 (AHC2). Also called: Alternating Hemiplegia of Childhood (AHC). Identifiers: Orphanet 2131, MedGen C3553788, MONDO:0013900, OMIM 614820.
ATP1A3-related disorder. Also called: ATP1A3-related condition; ATP1A3-related disorders. Identifiers: MedGen CN381097.
Neurodevelopmental delay. Identifiers: MedGen C4022738, HP:0012758.

Submissions (5):

Labcorp Genetics (formerly Invitae), Labcorp
Classification: Likely pathogenic for Dystonia 12. Last evaluated: 2025-05-16. Review status: criteria provided, single submitter. Criteria: Invitae Variant Classification Sherloc (09022015). Collection method: clinical testing. Allele origin: germline.
Comment: This sequence change replaces alanine, which is neutral and non-polar, with valine, which is neutral and non-polar, at codon 813 of the ATP1A3 protein (p.Ala813Val). This variant is not present in population databases (gnomAD no frequency). This missense change has been observed in individuals with dystonia (PMID: 35978945; internal data). ClinVar contains an entry for this variant (Variation ID: 813739). Invitae Evidence Modeling of protein sequence and biophysical properties (such as structural, functional, and spatial information, amino acid conservation, physicochemical variation, residue mobility, and thermodynamic stability) indicates that this missense variant is expected to disrupt ATP1A3 protein function with a positive predictive value of 95%. In summary, the currently available evidence indicates that the variant is pathogenic, but additional data are needed to prove that conclusively. Therefore, this variant has been classified as Likely Pathogenic.

GeneDx
Classification: Likely pathogenic. Last evaluated: 2024-10-25. Review status: criteria provided, single submitter. Criteria: GeneDx Variant Classification Process June 2021. Collection method: clinical testing. Allele origin: germline. Affected: yes.
Comment: Reported previously in an individual with child-onset schizophrenia, autism spectrum disorder, and intellectual disability; inherited form an unaffected mother (PMID: 29895895); Not observed at significant frequency in large population cohorts (gnomAD); In silico analysis supports that this missense variant has a deleterious effect on protein structure/function; This variant is associated with the following publications: (PMID: 33046383, 29895895, 35978945)

Blueprint Genetics
Classification: Likely pathogenic for ATP1A3-related disorders. Last evaluated: 2022-07-07. Review status: criteria provided, single submitter. Criteria: ACMG Guidelines, 2015. Collection method: clinical testing. Allele origin: germline. Affected: yes. Observed: 2 variant alleles.

Cytogénomique, Hospices Civils de Lyon
Classification: Uncertain significance for Alternating hemiplegia of childhood 2. Last evaluated: 2016-08-05. Review status: criteria provided, single submitter. Criteria: ACMG Guidelines, 2015. Collection method: clinical testing. Allele origin: unknown. Inheritance: Autosomal dominant inheritance. Affected: yes.

Centre de Biologie Pathologie Génétique, Centre Hospitalier Universitaire de Lille
Classification: Likely pathogenic for Neurodevelopmental delay. Review status: criteria provided, single submitter. Criteria: ACMG Guidelines, 2015. Collection method: clinical testing. Allele origin: unknown. Affected: yes.

Literature cited by the submitters: PubMed 35978945 (cited by Labcorp Genetics (formerly Invitae), Labcorp).

NM_152296.5(ATP1A3):c.2438C>T (p.Ala813Val)

Gene: ATP1A3 (ATPase Na+/K+ transporting subunit alpha 3; minus strand). Cytogenetic location: 19q13.2.
Variant type: single nucleotide variant.
Coding change: c.2438C>T on transcript NM_152296.5 (MANE Select); coding-DNA position 2438, C replaced by T.
Protein change: p.Ala813Val; replaces alanine 813 with valine.
Molecular consequence: missense variant.
Genome position (GRCh38, 1-based): chr19:41,970,289, G>A on the plus strand (C>T on the coding strand, the complement: ATP1A3 is on the minus strand). VCF-style: chr19-41970289-G-A. GRCh37 (hg19) VCF-style: chr19-42474441-G-A.
Other names: c.2471C>T, p.Ala824Val (NM_001256213.2); c.2477C>T, p.Ala826Val (NM_001256214.2); short protein forms A813V, A826V, A824V.
Identifiers: ClinVar variation 813739 (VCV000813739.10), dbSNP rs2514032524, ClinGen allele CA406038997.